The following is an entry in ClinVar:

NM_005379.4(MYO1A):c.2954G>A (p.Arg985Gln)

Gene: MYO1A (myosin IA; minus strand). Cytogenetic location: 12q13.3.
Variant type: single nucleotide variant.
Coding change: c.2954G>A on transcript NM_005379.4 (MANE Select); coding-DNA position 2954, G replaced by A.
Protein change: p.Arg985Gln; replaces arginine 985 with glutamine.
Molecular consequence: missense variant.
Genome position (GRCh38, 1-based): chr12:57,029,183, C>T on the plus strand (G>A on the coding strand, the complement: MYO1A is on the minus strand). VCF-style: chr12-57029183-C-T. GRCh37 (hg19) VCF-style: chr12-57422967-C-T.
Other names: c.2954G>A, p.Arg985Gln (NM_001256041.2); c.2954G>A (NM_005379.2); short protein forms R985Q.
Identifiers: ClinVar variation 3057581 (VCV003057581.3), dbSNP rs147849120, ClinGen allele CA6639547.

ClinVar aggregate classification (germline): Likely benign. Review status: criteria provided, single submitter (1 of 4 stars). 2 submissions from 2 submitters: Likely benign (1). 1 of the submissions does not count toward it. Last evaluated 2024-12-04.

Conditions:
MYO1A-related disorder. Also called: MYO1A-related condition.

Allele frequency attached by ClinVar (database versions not stated): gnomAD 0.00008; ESP Exome Variant Server 0.00015; TOPMed 0.00018.
gnomAD v4.1: 70 of 1,614,166 alleles (0.0043%); highest among the groups gnomAD compares: Admixed American, 0.072%; 1 homozygote.

Submissions (2):

Ambry Genetics
Classification: Likely benign. Last evaluated: 2024-12-04. Review status: criteria provided, single submitter. Criteria: Ambry Variant Classification Scheme 2023. Collection method: clinical testing. Allele origin: germline.

PreventionGenetics, part of Exact Sciences
Classification: Likely benign for MYO1A-related condition. Last evaluated: 2019-03-21. Review status: no assertion criteria provided. Collection method: clinical testing. Allele origin: germline. Not counted in ClinVar's aggregate classification.
Comment: This variant is classified as likely benign based on ACMG/AMP sequence variant interpretation guidelines (Richards et al. 2015 PMID: 25741868, with internal and published modifications).